The following is an entry in ClinVar:

ClinVar aggregate classification (germline): Likely pathogenic (1 of 4 stars; one submission).

Conditions:
Spermatogenic failure 18. Identifiers: MedGen C4539783, MONDO:0054615, OMIM 617576.
Ciliary dyskinesia, primary, 37 (CILD37). Also called: CILIARY DYSKINESIA, PRIMARY, 37, WITH OR WITHOUT SITUS INVERSUS. Identifiers: MedGen C4539798, MONDO:0033204, OMIM 617577.

Allele frequency attached by ClinVar (database versions not stated): gnomAD exomes 0.00001.
gnomAD v4.1: 7 of 1,612,578 alleles (0.00043%); highest among the groups gnomAD compares: Non-Finnish European, 0.00059%; no homozygotes.

Submission:

Labcorp Genetics (formerly Invitae), Labcorp
Classification: Likely pathogenic for Ciliary dyskinesia, primary, 37; Spermatogenic failure 18. Last evaluated: 2022-10-26. Review status: criteria provided, single submitter. Criteria: Invitae Variant Classification Sherloc (09022015). Collection method: clinical testing. Allele origin: germline.
Comment: In summary, the currently available evidence indicates that the variant is pathogenic, but additional data are needed to prove that conclusively. Therefore, this variant has been classified as Likely Pathogenic. This sequence change affects an acceptor splice site in intron 33 of the DNAH1 gene. It is expected to disrupt RNA splicing. Variants that disrupt the donor or acceptor splice site typically lead to a loss of protein function (PMID: 16199547), and loss-of-function variants in DNAH1 are known to be pathogenic (PMID: 27573432, 27798045). This variant is not present in population databases (gnomAD no frequency). Algorithms developed to predict the effect of sequence changes on RNA splicing suggest that this variant may disrupt the consensus splice site. This variant has not been reported in the literature in individuals affected with DNAH1-related conditions.

Literature cited by the submitters: PubMed 16199547; PubMed 27573432; PubMed 27798045.

NM_015512.5(DNAH1):c.5332-2A>G

Gene: DNAH1 (dynein axonemal heavy chain 1; plus strand). Cytogenetic location: 3p21.1.
Variant type: single nucleotide variant.
Coding change: c.5332-2A>G on transcript NM_015512.5 (MANE Select); the canonical splice acceptor site of the intron before coding-DNA position 5332, A replaced by G.
Molecular consequence: splice acceptor variant.
Genome position (GRCh38, 1-based): chr3:52,364,831, A>G. VCF-style: chr3-52364831-A-G. GRCh37 (hg19) VCF-style: chr3-52398847-A-G.
Identifiers: ClinVar variation 2934267 (VCV002934267.3), dbSNP rs2471216959, ClinGen allele CA353143509.